The following is an entry in ClinVar:

NM_001042646.3(TRAK1):c.2281A>G (p.Arg761Gly)

Gene: TRAK1 (trafficking kinesin protein 1; plus strand). Cytogenetic location: 3p22.1.
Variant type: single nucleotide variant.
Coding change: c.2281A>G on transcript NM_001042646.3 (MANE Select); coding-DNA position 2281, A replaced by G.
Protein change: p.Arg761Gly; replaces arginine 761 with glycine.
Molecular consequence: missense variant. On other transcripts: 3 prime UTR variant (1), non-coding transcript variant (1).
Genome position (GRCh38, 1-based): chr3:42,223,156, A>G. VCF-style: chr3-42223156-A-G. GRCh37 (hg19) VCF-style: chr3-42264648-A-G.
Other names: c.1906A>G, p.Arg636Gly (NM_001349245.1); c.2218A>G, p.Arg740Gly (NM_001349246.2); c.*235A>G (NM_001349247.2); c.1996A>G, p.Arg666Gly (NM_001349248.1); c.2059A>G, p.Arg687Gly (NM_001349249.1); c.2107A>G, p.Arg703Gly (NM_001410741.1); short protein forms R666G, R703G, R740G, R687G, R761G, R636G.
Identifiers: ClinVar variation 2088218 (VCV002088218.4), dbSNP rs2473219468, ClinGen allele CA352249852.

ClinVar aggregate classification (germline): Uncertain significance (1 of 4 stars; one submission).

Allele frequency attached by ClinVar (database versions not stated): gnomAD exomes below 0.00001.
gnomAD v4.1: 1 of 1,613,968 alleles (0.000062%); highest among the groups gnomAD compares: East Asian, 0.0022%; no homozygotes.

Submission:

Labcorp Genetics (formerly Invitae), Labcorp
Classification: Uncertain significance. Last evaluated: 2022-04-08. Review status: criteria provided, single submitter. Criteria: Invitae Variant Classification Sherloc (09022015). Collection method: clinical testing. Allele origin: germline.
Comment: In summary, the available evidence is currently insufficient to determine the role of this variant in disease. Therefore, it has been classified as a Variant of Uncertain Significance. Algorithms developed to predict the effect of missense changes on protein structure and function are either unavailable or do not agree on the potential impact of this missense change (SIFT: "Deleterious"; PolyPhen-2: "Probably Damaging"; Align-GVGD: "Class C0"). This variant has not been reported in the literature in individuals affected with TRAK1-related conditions. This variant is not present in population databases (gnomAD no frequency). This sequence change replaces arginine, which is basic and polar, with glycine, which is neutral and non-polar, at codon 761 of the TRAK1 protein (p.Arg761Gly).